The following is an entry in ClinVar:

NM_002334.4(LRP4):c.4577C>T (p.Thr1526Ile)

Genes: LRP4-AS1 (LRP4 antisense RNA 1; plus strand), LRP4 (LDL receptor related protein 4; minus strand). Cytogenetic location: 11p11.2.
Variant type: single nucleotide variant.
Coding change: c.4577C>T on transcript NM_002334.4 (MANE Select); coding-DNA position 4577, C replaced by T.
Protein change: p.Thr1526Ile; replaces threonine 1526 with isoleucine.
Molecular consequence: missense variant. On other transcripts: non-coding transcript variant (1).
Genome position (GRCh38, 1-based): chr11:46,873,106, G>A on the plus strand (C>T on the coding strand, the complement: LRP4 is on the minus strand). VCF-style: chr11-46873106-G-A. GRCh37 (hg19) VCF-style: chr11-46894657-G-A.
Other names: short protein forms T1526I.
Identifiers: ClinVar variation 2092135 (VCV002092135.4), dbSNP rs2539722486, ClinGen allele CA380266935.

ClinVar aggregate classification (germline): Uncertain significance (1 of 4 stars; one submission).

Conditions:
Cenani-Lenz syndactyly syndrome. Also called: CENANI SYNDACTYLISM; SYNDACTYLY, TYPE VII. Identifiers: Orphanet 3258, MedGen C1859309, MONDO:0008931, OMIM 212780.
Sclerosteosis 2 (SOST2). Identifiers: Orphanet 3152, MedGen C3280402, MONDO:0013679, OMIM 614305.
Congenital myasthenic syndrome 17. Identifiers: Orphanet 590, MedGen C4225377, MONDO:0014578, OMIM 616304.

gnomAD v4.1: 1 of 1,614,186 alleles (0.000062%); highest among the groups gnomAD compares: Non-Finnish European, 0.000085%; no homozygotes.

Submission:

Labcorp Genetics (formerly Invitae), Labcorp
Classification: Uncertain significance for Cenani-Lenz syndactyly syndrome; Sclerosteosis 2; Congenital myasthenic syndrome 17. Last evaluated: 2022-11-10. Review status: criteria provided, single submitter. Criteria: Invitae Variant Classification Sherloc (09022015). Collection method: clinical testing. Allele origin: germline.
Comment: In summary, the available evidence is currently insufficient to determine the role of this variant in disease. Therefore, it has been classified as a Variant of Uncertain Significance. Advanced modeling of protein sequence and biophysical properties (such as structural, functional, and spatial information, amino acid conservation, physicochemical variation, residue mobility, and thermodynamic stability) performed at Invitae indicates that this missense variant is not expected to disrupt LRP4 protein function. This variant has not been reported in the literature in individuals affected with LRP4-related conditions. This variant is not present in population databases (gnomAD no frequency). This sequence change replaces threonine, which is neutral and polar, with isoleucine, which is neutral and non-polar, at codon 1526 of the LRP4 protein (p.Thr1526Ile).